The following is an entry in ClinVar:

NM_007118.4(TRIO):c.2605del (p.Asp869fs)

Gene: TRIO (trio Rho guanine nucleotide exchange factor; plus strand). Cytogenetic location: 5p15.2.
Variant type: Deletion.
Coding change: c.2605del on transcript NM_007118.4 (MANE Select); coding-DNA position 2605, one base deleted (G; older notation c.2605delG).
Protein change: p.Asp869fs; shifts the reading frame from aspartic acid 869.
Molecular consequence: frameshift variant. On other transcripts: non-coding transcript variant (1).
Genome position (GRCh38, 1-based): chr5:14,364,667, G deleted. VCF-style (leftmost placement, unchanged base first): chr5-14364666-TG-T. GRCh37 (hg19) VCF-style: chr5-14364775-TG-T.
Other names: short protein forms D869fs.
Identifiers: ClinVar variation 4682001 (VCV004682001.5).
Genomic context (GRCh38, chr5:14,364,666, plus strand): 5'-TGAAGTGCTAGCTGAATTCTAGGGTCTCCCTTTAATGTCCACAGGTGTGGAGCTGCTGTG[TG>T]ATAGAGATGTAGACATGGCAACTCGGGTCCAGGACCTGCTGGAGTTTCTTCATGAAAAAC-3'

ClinVar aggregate classification (germline): Pathogenic (1 of 4 stars; one submission).

Submission:

CeGaT Center for Human Genetics Tuebingen
Classification: Pathogenic. Last evaluated: 2025-12-01. Review status: criteria provided, single submitter. Criteria: CeGaT Center For Human Genetics Tuebingen Variant Classification Criteria Version 2. Collection method: clinical testing. Allele origin: germline. Affected: yes. Observed: 1 variant allele.
Comment: TRIO: PVS1, PM2